The following is an entry in ClinVar:

NM_004055.5(CAPN5):c.1150TTC[1] (p.Phe385del)

Gene: CAPN5 (calpain 5; plus strand). Cytogenetic location: 11q13.5.
Variant type: Microsatellite.
Coding change: c.1150TTC[1] on transcript NM_004055.5 (MANE Select); one copy of the 3-base unit TTC starting at c.1150; the reference has two copies in a row; one copy, 3 bases deleted.
Protein change: p.Phe385del; deletes phenylalanine 385.
Molecular consequence: inframe deletion.
Genome position (GRCh38, 1-based): chr11:77,118,338-77,118,340, TTC deleted; deleting any 3 consecutive bases within chr11:77,118,334-77,118,340 gives the same sequence; the position shown is the placement nearest the transcript's 3' end. VCF-style (leftmost placement, unchanged base first): chr11-77118333-CCTT-C. GRCh37 (hg19) VCF-style: chr11-76829379-CCTT-C.
Other names: short protein forms F385del.
Identifiers: ClinVar variation 1918573 (VCV001918573.5), dbSNP rs782528099, ClinGen allele CA6196698.

ClinVar aggregate classification (germline): Uncertain significance (1 of 4 stars; one submission).

Submission:

Labcorp Genetics (formerly Invitae), Labcorp
Classification: Uncertain significance. Last evaluated: 2025-11-15. Review status: criteria provided, single submitter. Criteria: Invitae Variant Classification Sherloc (09022015). Collection method: clinical testing. Allele origin: germline.
Comment: This variant, c.1153_1155del, results in the deletion of 1 amino acid(s) of the CAPN5 protein (p.Phe385del), but otherwise preserves the integrity of the reading frame. This variant is present in population databases (rs782528099, gnomAD 0.003%). This variant has not been reported in the literature in individuals affected with CAPN5-related conditions. Experimental studies and prediction algorithms are not available or were not evaluated, and the functional significance of this variant is currently unknown. In summary, the available evidence is currently insufficient to determine the role of this variant in disease. Therefore, it has been classified as a Variant of Uncertain Significance.